The following is an entry in ClinVar:

ClinVar aggregate classification (germline): Conflicting classifications of pathogenicity. Review status: criteria provided, conflicting classifications (1 of 4 stars). 2 submissions from 2 submitters: Uncertain significance (1); Benign (1). Last evaluated 2024-03-05.

Conditions:
Lethal congenital glycogen storage disease of heart. Also called: GLYCOGEN STORAGE DISEASE OF HEART; PHOSPHORYLASE KINASE DEFICIENCY OF HEART. Identifiers: Orphanet 439854, MedGen C1849813, MONDO:0009867, OMIM 261740.
Hypertrophic cardiomyopathy. Also called: HYPERTROPHIC MYOCARDIOPATHY. Identifiers: Orphanet 217569, MedGen C0007194, MeSH D002312, MONDO:0005045, HP:0001639.

Allele frequency attached by ClinVar (database versions not stated): gnomAD exomes 0.00001.
gnomAD v4.1: 13 of 1,613,800 alleles (0.00081%); highest among the groups gnomAD compares: Non-Finnish European, 0.0011%; no homozygotes.

Submissions (2):

All of Us Research Program, National Institutes of Health
Classification: Uncertain significance for Hypertrophic cardiomyopathy. Last evaluated: 2024-03-05. Review status: criteria provided, single submitter. Criteria: ACMG Guidelines, 2015. Collection method: clinical testing. Allele origin: germline. Inheritance: Autosomal dominant inheritance. Observed: 2 variant alleles, 2 heterozygotes.
Comment: This missense variant replaces threonine with alanine at codon 97 of the PRKAG2 protein. Computational prediction suggests that this variant may not impact protein structure and function (internally defined REVEL score threshold <= 0.5, PMID: 27666373). To our knowledge, functional studies have not been reported for this variant. This variant has not been reported in individuals affected with PRKAG2-related disorders in the literature. This variant has been identified in 2/250564 chromosomes in the general population by the Genome Aggregation Database (gnomAD). The available evidence is insufficient to determine the role of this variant in disease conclusively. Therefore, this variant is classified as a Variant of Uncertain Significance.

This study involves interpretation of variants in research participants for the purpose of population health screening. Participant phenotype was not available at the time of variant classification. Additional details can be found in publication PMID: 35346344, PMCID: PMC8962531

Labcorp Genetics (formerly Invitae), Labcorp
Classification: Benign for Lethal congenital glycogen storage disease of heart. Last evaluated: 2022-03-14. Review status: criteria provided, single submitter. Criteria: Invitae Variant Classification Sherloc (09022015). Collection method: clinical testing. Allele origin: germline.

NM_016203.4(PRKAG2):c.289A>G (p.Thr97Ala)

Gene: PRKAG2 (protein kinase AMP-activated non-catalytic subunit gamma 2; minus strand). Cytogenetic location: 7q36.1.
Variant type: single nucleotide variant.
Coding change: c.289A>G on transcript NM_016203.4 (MANE Select); coding-DNA position 289, A replaced by G.
Protein change: p.Thr97Ala; replaces threonine 97 with alanine.
Molecular consequence: missense variant.
Genome position (GRCh38, 1-based): chr7:151,781,329, T>C on the plus strand (A>G on the coding strand, the complement: PRKAG2 is on the minus strand). VCF-style: chr7-151781329-T-C. GRCh37 (hg19) VCF-style: chr7-151478415-T-C.
Other names: c.157A>G, p.Thr53Ala (NM_001040633.2, NM_001407024.1, NM_001407026.1 and 2 more transcripts); c.289A>G, p.Thr97Ala (NM_001407021.1, NM_001407022.1, NM_001407023.1 and 2 more transcripts); short protein forms T53A, T97A.
Identifiers: ClinVar variation 2055471 (VCV002055471.6), dbSNP rs1426170956, ClinGen allele CA370069742.
Genomic context (GRCh38, chr7:151,781,329, plus strand): 5'-AGCGTGGCGGGGACTCCTGGTAGGAGAACGGGAACACGGTTTTGGGAGAGCCGGGGCTGG[T>C]CTTGGGCCTCACAGGTGCAGACATGGGGCTGGAGGGCCGGGGCTGGGGGCCTCTGGAGAA-3'
Protein context (NP_057287.2, residues 87-107): SPMSAPVRPK[Thr97Ala]SPGSPKTVFP